The following is an entry in ClinVar:

NM_000343.4(SLC5A1):c.744C>T (p.Asn248=)

Gene: SLC5A1 (solute carrier family 5 member 1; plus strand). Cytogenetic location: 22q12.3.
Variant type: single nucleotide variant.
Coding change: c.744C>T on transcript NM_000343.4 (MANE Select); coding-DNA position 744, C replaced by T.
Protein change: p.Asn248=; no amino-acid change (asparagine 248 retained).
Molecular consequence: synonymous variant.
Genome position (GRCh38, 1-based): chr22:32,084,518, C>T. VCF-style: chr22-32084518-C-T. GRCh37 (hg19) VCF-style: chr22-32480505-C-T.
Other names: c.363C>T, p.Asn121= (NM_001256314.2).
Identifiers: ClinVar variation 900677 (VCV000900677.13), dbSNP rs185126699, ClinGen allele CA10198057.
Genomic context (GRCh38, chr22:32,084,518, plus strand): 5'-CTATGACGCCTTCATGGAAAAGTACATGAAAGCCATTCCAACCATAGTGTCTGATGGCAA[C>T]ACCACCTTTCAGGAAAAATGCTACACTCCAAGGGCCGACTCCTTCCACATCTTCCGAGAT-3'
Protein context (NP_000334.1, residues 238-258): KAIPTIVSDG[Asn248=]TTFQEKCYTP

ClinVar aggregate classification (germline): Benign/Likely benign. Review status: criteria provided, multiple submitters, no conflicts (2 of 4 stars). 4 submissions from 4 submitters: Benign (1); Likely benign (3). Last evaluated 2026-01-27.

Conditions:
Congenital glucose-galactose malabsorption (GGM). Also called: DIARRHEA 16; MONOSACCHARIDE MALABSORPTION. Identifiers: Orphanet 35710, MedGen C0268186, MONDO:0011731, OMIM 606824.

Allele frequency attached by ClinVar (database versions not stated): gnomAD exomes 0.00020 and 0.00070; gnomAD 0.00026 and 0.00031; TOPMed 0.00034; ExAC 0.00071; 1000 Genomes Project 30x 0.00172; 1000 Genomes Project 0.00180.
gnomAD v4.1: 340 of 1,614,232 alleles (0.021%); highest among the groups gnomAD compares: East Asian, 0.73%; 2 homozygotes.

Submissions (4):

Labcorp Genetics (formerly Invitae), Labcorp
Classification: Benign for Congenital glucose-galactose malabsorption. Last evaluated: 2026-01-27. Review status: criteria provided, single submitter. Criteria: Invitae Variant Classification Sherloc (09022015). Collection method: clinical testing. Allele origin: germline.

Blueprint Genetics
Classification: Likely benign. Last evaluated: 2024-06-17. Review status: criteria provided, single submitter. Criteria: ACMG Guidelines, 2015. Collection method: clinical testing. Allele origin: germline.

Illumina Laboratory Services, Illumina
Classification: Likely benign for Congenital glucose-galactose malabsorption. Last evaluated: 2018-01-13. Review status: criteria provided, single submitter. Criteria: ICSL Variant Classification Criteria 13 December 2019. Collection method: clinical testing. Allele origin: germline.
Comment: This variant was observed in the ICSL laboratory as part of a predisposition screen in an ostensibly healthy population. It had not been previously curated by ICSL or reported in the Human Gene Mutation Database (HGMD: prior to June 1st, 2018), and was therefore a candidate for classification through an automated scoring system. Utilizing variant allele frequency, disease prevalence and penetrance estimates, and inheritance mode, an automated score was calculated to assess if this variant is too frequent to cause the disease. Based on the score and internal cut-off values, a variant classified as likely benign is not then subjected to further curation. The score for this variant resulted in a classification of likely benign for this disease.

Breakthrough Genomics
Classification: Likely benign. Review status: criteria provided, single submitter. Criteria: ACMG Guidelines, 2015. Collection method: not provided. Allele origin: germline. Inheritance: Autosomal recessive inheritance. Affected: yes.